The following is an entry in ClinVar:

NM_016148.5(SHANK1):c.6280C>A (p.Pro2094Thr)

Gene: SHANK1 (SH3 and multiple ankyrin repeat domains 1; minus strand). Cytogenetic location: 19q13.33.
Variant type: single nucleotide variant.
Coding change: c.6280C>A on transcript NM_016148.5 (MANE Select); coding-DNA position 6280, C replaced by A.
Protein change: p.Pro2094Thr; replaces proline 2094 with threonine.
Molecular consequence: missense variant.
Genome position (GRCh38, 1-based): chr19:50,662,171, G>T on the plus strand (C>A on the coding strand, the complement: SHANK1 is on the minus strand). VCF-style: chr19-50662171-G-T. GRCh37 (hg19) VCF-style: chr19-51165428-G-T.
Other names: short protein forms P2094T.
Identifiers: ClinVar variation 3391548 (VCV003391548.2).

ClinVar aggregate classification (germline): Uncertain significance (1 of 4 stars; one submission).

Submission:

GeneDx
Classification: Uncertain significance. Last evaluated: 2025-01-09. Review status: criteria provided, single submitter. Criteria: GeneDx Variant Classification Process June 2021. Collection method: clinical testing. Allele origin: germline.
Comment: Not observed at significant frequency in large population cohorts (gnomAD); In silico analysis supports that this missense variant has a deleterious effect on protein structure/function; Has not been previously published as pathogenic or benign to our knowledge